The following is an entry in ClinVar:

ClinVar aggregate classification (germline): Pathogenic (1 of 4 stars; one submission).

Conditions:
Hereditary spastic paraplegia 4. Also called: Spastic paraplegia 4, autosomal dominant; Spastic Paraplegia 4; Familial spastic paraplegia autosomal dominant 2. Identifiers: Orphanet 100985, MedGen C1866855, MONDO:0008438, OMIM 182601.

Submission:

Labcorp Genetics (formerly Invitae), Labcorp
Classification: Pathogenic for Hereditary spastic paraplegia 4. Last evaluated: 2024-08-01. Review status: criteria provided, single submitter. Criteria: Invitae Variant Classification Sherloc (09022015). Collection method: clinical testing. Allele origin: germline.
Comment: This sequence change creates a premature translational stop signal (p.Arg450Glufs*11) in the SPAST gene. It is expected to result in an absent or disrupted protein product. Loss-of-function variants in SPAST are known to be pathogenic (PMID: 20932283). This variant is not present in population databases (gnomAD no frequency). This variant has not been reported in the literature in individuals affected with SPAST-related conditions. Algorithms developed to predict the effect of sequence changes on RNA splicing suggest that this variant may disrupt the consensus splice site. For these reasons, this variant has been classified as Pathogenic.

Literature cited by the submitters: PubMed 20932283.

NM_014946.4(SPAST):c.1348_1351del (p.Arg450fs)

Gene: SPAST (spastin; plus strand). Cytogenetic location: 2p22.3.
Variant type: Deletion.
Coding change: c.1348_1351del on transcript NM_014946.4 (MANE Select); coding-DNA positions 1348 to 1351, 4 bases deleted (AGAA; older notation c.1348_1351delAGAA).
Protein change: p.Arg450fs; shifts the reading frame from arginine 450.
Molecular consequence: frameshift variant.
Genome position (GRCh38, 1-based): chr2:32,136,903-32,136,906, AGAA deleted; deleting any 4 consecutive bases within chr2:32,136,900-32,136,906 gives the same sequence; the c. name uses the placement nearest the transcript's 3' end. VCF-style (leftmost placement, unchanged base first): chr2-32136899-TGAAA-T. GRCh37 (hg19) VCF-style: chr2-32361968-TGAAA-T.
Other names: c.1345_1348del, p.Arg449fs (NM_001363823.2); c.1249_1252del, p.Arg417fs (NM_001363875.2); c.1252_1255del, p.Arg418fs (NM_001377959.1, NM_199436.2); short protein forms R450fs, R417fs, R418fs, R449fs.
Identifiers: ClinVar variation 3652538 (VCV003652538.2).